The following is an entry in ClinVar:

ClinVar aggregate classification (germline): Uncertain significance. Review status: criteria provided, multiple submitters, no conflicts (2 of 4 stars). 2 submissions from 2 submitters: Uncertain significance (2). Last evaluated 2025-10-06.

Conditions:
Hereditary cancer-predisposing syndrome. Also called: Neoplastic Syndromes, Hereditary; Tumor predisposition; Hereditary Cancer Syndrome; Hereditary neoplastic syndrome. Identifiers: Orphanet 140162, MedGen C0027672, MeSH D009386, MONDO:0015356.

Submissions (2):

Labcorp Genetics (formerly Invitae), Labcorp
Classification: Uncertain significance. Last evaluated: 2025-10-06. Review status: criteria provided, single submitter. Criteria: Invitae Variant Classification Sherloc (09022015). Collection method: clinical testing. Allele origin: germline.
Comment: This sequence change falls in intron 11 of the MSH3 gene. It does not directly change the encoded amino acid sequence of the MSH3 protein. This variant is not present in population databases (gnomAD no frequency). This variant has not been reported in the literature in individuals affected with MSH3-related conditions. ClinVar contains an entry for this variant (Variation ID: 638923). Studies have shown that this variant is associated with inconclusive levels of altered splicing (internal data). In summary, the available evidence is currently insufficient to determine the role of this variant in disease. Therefore, it has been classified as a Variant of Uncertain Significance.

Ambry Genetics
Classification: Uncertain significance for Hereditary cancer-predisposing syndrome. Last evaluated: 2024-09-11. Review status: criteria provided, single submitter. Criteria: Ambry Variant Classification Scheme 2023. Collection method: clinical testing. Allele origin: germline.
Comment: The c.1654-6_1654-3delTCTT intronic variant, located in intron 11 of the MSH3 gene, results from a deletion of 4 nucleotides within intron 11 of the MSH3 gene. This nucleotide region is not well conserved in available vertebrate species. In silico splice site analysis for this alteration is inconclusive. RNA studies have demonstrated that this alteration results in a splice defect; the clinical impact of this abnormal splicing is unknown at this time (Ambry internal data). Since supporting evidence is limited at this time, the clinical significance of this alteration remains unclear.

NM_002439.5(MSH3):c.1654-6_1654-3del

Gene: MSH3 (mutS homolog 3; plus strand). Cytogenetic location: 5q14.1.
Variant type: Microsatellite.
Coding change: c.1654-6_1654-3del on transcript NM_002439.5 (MANE Select); 6 bases into the intron before coding-DNA position 1654 through 3 bases into the intron before coding-DNA position 1654, 4 bases deleted (TCTT; older notation c.1654-6_1654-3delTCTT).
Molecular consequence: intron variant.
Genome position (GRCh38, 1-based): chr5:80,744,500-80,744,503, TCTT deleted; deleting any 4 consecutive bases within chr5:80,744,496-80,744,503 gives the same sequence; the c. name uses the placement nearest the transcript's 3' end. VCF-style (leftmost placement, unchanged base first): chr5-80744495-GTCTT-G. GRCh37 (hg19) VCF-style: chr5-80040314-GTCTT-G.
Other names: c.1654-6_1654-3delTCTT (NM_002439.4).
Identifiers: ClinVar variation 638923 (VCV000638923.13), dbSNP rs1580599333, ClinGen allele CA915943393.